The following is an entry in ClinVar:

NM_001243133.2(NLRP3):c.2664-3C>T

Gene: NLRP3 (NLR family pyrin domain containing 3; plus strand). Cytogenetic location: 1q44.
Variant type: single nucleotide variant.
Coding change: c.2664-3C>T on transcript NM_001243133.2 (MANE Select); 3 bases into the intron before coding-DNA position 2664, C replaced by T.
Molecular consequence: intron variant.
Genome position (GRCh38, 1-based): chr1:247,443,969, C>T. VCF-style: chr1-247443969-C-T. GRCh37 (hg19) VCF-style: chr1-247607271-C-T.
Other names: c.2670-3C>T (NM_004895.5); c.2493-3C>T (NM_001127461.3, NM_001127462.3); c.2322-3C>T (NM_183395.3); c.2664-3C>T (NM_001079821.3).
Identifiers: ClinVar variation 2010963 (VCV002010963.4), dbSNP rs754603629, ClinGen allele CA1495332.
Genomic context (GRCh38, chr1:247,443,969, plus strand): 5'-AGCAGCTGCACAATGTTGGGGAACAGCTGGGTACTGAGGACTCTTCTCCCTGTCCTTCTA[C>T]AGGTTGGTGAATTCTGGCCTTACGTCAGTCTGTTGTTCAGCTTTGTCCTCGGTACTCAGC-3'

ClinVar aggregate classification (germline): Uncertain significance (1 of 4 stars; one submission).

Conditions:
Cryopyrin associated periodic syndrome (CAPS). Identifiers: Orphanet 208650, MedGen C2316212, MONDO:0016168.

Allele frequency attached by ClinVar (database versions not stated): gnomAD exomes below 0.00001; ExAC 0.00001; TOPMed 0.00002.
gnomAD v4.1: 2 of 1,614,028 alleles (0.00012%); highest among the groups gnomAD compares: South Asian, 0.0022%; no homozygotes.

Submission:

Labcorp Genetics (formerly Invitae), Labcorp
Classification: Uncertain significance for Cryopyrin associated periodic syndrome. Last evaluated: 2022-06-26. Review status: criteria provided, single submitter. Criteria: Invitae Variant Classification Sherloc (09022015). Collection method: clinical testing. Allele origin: germline.
Comment: This variant is present in population databases (rs754603629, gnomAD 0.003%). In summary, the available evidence is currently insufficient to determine the role of this variant in disease. Therefore, it has been classified as a Variant of Uncertain Significance. Variants that disrupt the consensus splice site are a relatively common cause of aberrant splicing (PMID: 17576681, 9536098). Algorithms developed to predict the effect of sequence changes on RNA splicing suggest that this variant is not likely to affect RNA splicing. This variant has not been reported in the literature in individuals affected with NLRP3-related conditions. This sequence change falls in intron 6 of the NLRP3 gene. It does not directly change the encoded amino acid sequence of the NLRP3 protein. It affects a nucleotide within the consensus splice site.

Literature cited by the submitters: PubMed 17576681; PubMed 9536098.